The following is an entry in ClinVar:

ClinVar aggregate classification (germline): Uncertain significance. Review status: criteria provided, multiple submitters, no conflicts (2 of 4 stars). 2 submissions from 2 submitters: Uncertain significance (2). Last evaluated 2024-10-24.

Conditions:
Inborn genetic diseases. Identifiers: MedGen C0950123, MeSH D030342.

Allele frequency attached by ClinVar (database versions not stated): gnomAD 0.00002.
gnomAD v4.1: 8 of 1,166,761 alleles (0.00069%); highest among the groups gnomAD compares: Admixed American, 0.012%; no homozygotes.

Submissions (2):

Labcorp Genetics (formerly Invitae), Labcorp
Classification: Uncertain significance. Last evaluated: 2024-10-24. Review status: criteria provided, single submitter. Criteria: Invitae Variant Classification Sherloc (09022015). Collection method: clinical testing. Allele origin: germline.
Comment: This sequence change replaces alanine, which is neutral and non-polar, with threonine, which is neutral and polar, at codon 886 of the POLA1 protein (p.Ala886Thr). This variant is not present in population databases (gnomAD no frequency). This variant has not been reported in the literature in individuals affected with POLA1-related conditions. ClinVar contains an entry for this variant (Variation ID: 1524853). An algorithm developed to predict the effect of missense changes on protein structure and function outputs the following: PolyPhen-2: "Benign". The threonine amino acid residue is found in multiple mammalian species, which suggests that this missense change does not adversely affect protein function. In summary, the available evidence is currently insufficient to determine the role of this variant in disease. Therefore, it has been classified as a Variant of Uncertain Significance.

Ambry Genetics
Classification: Uncertain significance for Inborn genetic diseases. Last evaluated: 2023-11-13. Review status: criteria provided, single submitter. Criteria: Ambry Variant Classification Scheme 2023. Collection method: clinical testing. Allele origin: germline.

NM_001330360.2(POLA1):c.2674G>A (p.Ala892Thr)

Gene: POLA1 (DNA polymerase alpha 1, catalytic subunit; plus strand). Cytogenetic location: Xp22.11.
Variant type: single nucleotide variant.
Coding change: c.2674G>A on transcript NM_001330360.2 (MANE Select); coding-DNA position 2674, G replaced by A.
Protein change: p.Ala892Thr; replaces alanine 892 with threonine.
Molecular consequence: missense variant. On other transcripts: non-coding transcript variant (2).
Genome position (GRCh38, 1-based): chrX:24,745,525, G>A. VCF-style: chrX-24745525-G-A. GRCh37 (hg19) VCF-style: chrX-24763642-G-A.
Other names: c.2599G>A, p.Ala867Thr (NM_001378303.1); c.2656G>A, p.Ala886Thr (NM_016937.4); c.2656G>A (NM_016937.3); short protein forms A886T, A892T, A867T.
Identifiers: ClinVar variation 1524853 (VCV001524853.9), dbSNP rs767424640, ClinGen allele CA326907563.
Genomic context (GRCh38, chrX:24,745,525, plus strand): 5'-CCTTCCATCATTCAGGAATTTAACATTTGTTTTACAACAGTACAAAGAGTTGCTTCAGAG[G>A]CACAGAAAGTTACAGAGGTTTGTATTTAACCTGGGACTCTTGAAATTGAGTTTAAAAAAA-3'
Protein context (NP_001317289.1, residues 882-902): FTTVQRVASE[Ala892Thr]QKVTEDGEQE